The following is an entry in ClinVar:

ClinVar aggregate classification (germline): Uncertain significance (1 of 4 stars; one submission).

Conditions:
Long QT syndrome (LQTS). Identifiers: MedGen C0023976, MeSH D008133, MONDO:0002442. Disease mechanism: loss of function. Inheritance: Various modes of inheritance.

Submission:

Labcorp Genetics (formerly Invitae), Labcorp
Classification: Uncertain significance for Long QT syndrome. Last evaluated: 2025-08-20. Review status: criteria provided, single submitter. Criteria: Invitae Variant Classification Sherloc (09022015). Collection method: clinical testing. Allele origin: germline.
Comment: This sequence change replaces valine, which is neutral and non-polar, with methionine, which is neutral and non-polar, at codon 233 of the CACNA1C protein (p.Val233Met). This variant is not present in population databases (gnomAD no frequency). This variant has not been reported in the literature in individuals affected with CACNA1C-related conditions. Invitae Evidence Modeling of protein sequence and biophysical properties (such as structural, functional, and spatial information, amino acid conservation, physicochemical variation, residue mobility, and thermodynamic stability) has been performed for this missense variant. However, the output from this modeling did not meet the statistical confidence thresholds required to predict the impact of this variant on CACNA1C protein function. In summary, the available evidence is currently insufficient to determine the role of this variant in disease. Therefore, it has been classified as a Variant of Uncertain Significance.

NM_000719.7(CACNA1C):c.697G>A (p.Val233Met)

Gene: CACNA1C (calcium voltage-gated channel subunit alpha1 C; plus strand). Cytogenetic location: 12p13.33.
Variant type: single nucleotide variant.
Coding change: c.697G>A on transcript NM_000719.7 (MANE Select); coding-DNA position 697, G replaced by A.
Protein change: p.Val233Met; replaces valine 233 with methionine.
Molecular consequence: missense variant.
Genome position (GRCh38, 1-based): chr12:2,457,646, G>A. VCF-style: chr12-2457646-G-A. GRCh37 (hg19) VCF-style: chr12-2566812-G-A.
Other names: c.697G>A, p.Val233Met (NM_001129827.2, NM_001129829.2, NM_001129830.3 and 19 more transcripts); short protein forms V233M.
Identifiers: ClinVar variation 4745767 (VCV004745767.1).